The following is an entry in ClinVar:

ClinVar aggregate classification (germline): Likely benign (1 of 4 stars; one submission).

gnomAD v4.1: 123 of 1,170,398 alleles (0.011%); highest among the groups gnomAD compares: Non-Finnish European, 0.014%; 1 homozygote.

Submission:

CeGaT Center for Human Genetics Tuebingen
Classification: Likely benign. Last evaluated: 2026-07-01. Review status: criteria provided, single submitter. Criteria: CeGaT Center For Human Genetics Tuebingen Variant Classification Criteria Version 2. Collection method: clinical testing. Allele origin: germline. Affected: yes. Observed: 1 variant allele.
Comment: STEEP1: BP4, BS2

NM_022101.4(STEEP1):c.242+3A>G

Gene: STEEP1 (STING1 ER exit protein 1; minus strand). Cytogenetic location: Xq24.
Variant type: single nucleotide variant.
Coding change: c.242+3A>G on transcript NM_022101.4 (MANE Select); 3 bases into the intron after coding-DNA position 242, A replaced by G.
Molecular consequence: intron variant.
Genome position (GRCh38, 1-based): chrX:119,560,265, T>C on the plus strand (A>G on the coding strand, the complement: STEEP1 is on the minus strand). VCF-style: chrX-119560265-T-C. GRCh37 (hg19) VCF-style: chrX-118694228-T-C.
Other names: c.242+3A>G (NM_001170570.2); c.95+3A>G (NM_001170569.1).
Identifiers: ClinVar variation 5039287 (VCV005039287.1).